The following is an entry in ClinVar:

NM_000051.4(ATM):c.713T>C (p.Ile238Thr)

Gene: ATM (ATM serine/threonine kinase; plus strand). Cytogenetic location: 11q22.3.
Variant type: single nucleotide variant.
Coding change: c.713T>C on transcript NM_000051.4 (MANE Select); coding-DNA position 713, T replaced by C.
Protein change: p.Ile238Thr; replaces isoleucine 238 with threonine.
Molecular consequence: missense variant.
Genome position (GRCh38, 1-based): chr11:108,244,838, T>C. VCF-style: chr11-108244838-T-C. GRCh37 (hg19) VCF-style: chr11-108115565-T-C.
Other names: c.713T>C, p.Ile238Thr (NM_001351834.2); short protein forms I238T.
Identifiers: ClinVar variation 418756 (VCV000418756.18), dbSNP rs149116878, ClinGen allele CA6264673.

ClinVar aggregate classification (germline): Conflicting classifications of pathogenicity. Review status: criteria provided, conflicting classifications (1 of 4 stars). 5 submissions from 5 submitters: Uncertain significance (3); Likely benign (1). 1 of the submissions does not count toward it. Last evaluated 2025-08-28.

Conditions:
Hereditary cancer-predisposing syndrome. Also called: Tumor predisposition; Neoplastic Syndromes, Hereditary; Hereditary Cancer Syndrome; Hereditary neoplastic syndrome. Identifiers: Orphanet 140162, MedGen C0027672, MeSH D009386, MONDO:0015356.
Ataxia-telangiectasia syndrome (AT). Also called: Ataxia-telangiectasia; Cerebello-oculocutaneous telangiectasia; Immunodeficiency with ataxia telangiectasia; ATAXIA-TELANGIECTASIA, COMPLEMENTATION GROUP A; ATAXIA-TELANGIECTASIA, FRESNO VARIANT; Ataxia-telangiectasia, complementation group D. Identifiers: Orphanet 100, MedGen C0004135, MONDO:0008840, OMIM 208900.

Allele frequency attached by ClinVar (database versions not stated): gnomAD exomes below 0.00001 and 0.00001; TOPMed below 0.00001; gnomAD 0.00001; ExAC 0.00002; ESP Exome Variant Server 0.00008.
gnomAD v4.1: 4 of 1,613,854 alleles (0.00025%); highest among the groups gnomAD compares: African/African-American, 0.004%; no homozygotes.

Submissions (5):

Labcorp Genetics (formerly Invitae), Labcorp
Classification: Uncertain significance for Ataxia-telangiectasia syndrome. Last evaluated: 2025-08-28. Review status: criteria provided, single submitter. Criteria: Invitae Variant Classification Sherloc (09022015). Collection method: clinical testing. Allele origin: germline.
Comment: This sequence change replaces isoleucine, which is neutral and non-polar, with threonine, which is neutral and polar, at codon 238 of the ATM protein (p.Ile238Thr). This variant is present in population databases (rs149116878, gnomAD 0.007%). This variant has not been reported in the literature in individuals affected with ATM-related conditions. ClinVar contains an entry for this variant (Variation ID: 418756). Invitae Evidence Modeling of protein sequence and biophysical properties (such as structural, functional, and spatial information, amino acid conservation, physicochemical variation, residue mobility, and thermodynamic stability) indicates that this missense variant is not expected to disrupt ATM protein function with a negative predictive value of 95%. In summary, the available evidence is currently insufficient to determine the role of this variant in disease. Therefore, it has been classified as a Variant of Uncertain Significance.

Ambry Genetics
Classification: Likely benign for Hereditary cancer-predisposing syndrome. Last evaluated: 2024-01-02. Review status: criteria provided, single submitter. Criteria: Ambry Variant Classification Scheme 2023. Collection method: clinical testing. Allele origin: germline.

Color Diagnostics, LLC DBA Color Health
Classification: Uncertain significance for Hereditary cancer-predisposing syndrome. Last evaluated: 2023-12-05. Review status: criteria provided, single submitter. Criteria: ACMG Guidelines, 2015. Collection method: clinical testing. Allele origin: germline.
Comment: This missense variant replaces isoleucine with threonine at codon 238 of the ATM protein. Computational prediction suggests that this variant may not impact protein structure and function (internally defined REVEL score threshold <= 0.5, PMID: 27666373). To our knowledge, functional studies have not been reported for this variant. This variant has not been reported in individuals affected with ATM-related disorders in the literature. This variant has been identified in 2/251072 chromosomes in the general population by the Genome Aggregation Database (gnomAD). The available evidence is insufficient to determine the role of this variant in disease conclusively. Therefore, this variant is classified as a Variant of Uncertain Significance.

GeneDx
Classification: Uncertain significance. Last evaluated: 2015-03-26. Review status: criteria provided, single submitter. Criteria: GeneDx Variant Classification (06012015). Collection method: clinical testing. Allele origin: germline. Affected: yes.
Comment: This variant is denoted ATM c.713T>C at the cDNA level, p.Ile238Thr (I238T) at the protein level, and results in the change of an Isoleucine to a Threonine (ATC>ACC). This variant has not, to our knowledge, been published in the literature as pathogenic or benign. ATM Ile238Thr was not observed at a significant allele frequency in the NHLBI Exome Sequencing Project. Since Isoleucine and Threonine differ in polarity, charge, size or other properties, this is considered a non-conservative amino acid substitution. ATM Ile238Thr occurs at a position that is conserved across species and is not located in a known functional domain (Tavtigian 2009). In silico analyses are inconsistent regarding the effect this variant may have on protein structure and function. Based on currently available information, it is unclear whether ATM Ile238Thr is pathogenic or benign. We consider it to be a variant of uncertain significance.

Natera, Inc.
Classification: Uncertain significance for Ataxia-telangiectasia. Last evaluated: 2020-03-11. Review status: no assertion criteria provided. Collection method: clinical testing. Allele origin: germline. Not counted in ClinVar's aggregate classification.